The following is an entry in ClinVar:

NM_000256.3(MYBPC3):c.1558G>T (p.Glu520Ter)

Gene: MYBPC3 (myosin binding protein C3; minus strand). Cytogenetic location: 11p11.2.
Variant type: single nucleotide variant.
Coding change: c.1558G>T on transcript NM_000256.3 (MANE Select); coding-DNA position 1558, G replaced by T.
Protein change: p.Glu520Ter; replaces glutamic acid 520 with a stop codon.
Molecular consequence: nonsense.
Genome position (GRCh38, 1-based): chr11:47,342,644, C>A on the plus strand (G>T on the coding strand, the complement: MYBPC3 is on the minus strand). VCF-style: chr11-47342644-C-A. GRCh37 (hg19) VCF-style: chr11-47364195-C-A.
Other names: short protein forms E520*.
Identifiers: ClinVar variation 4856615 (VCV004856615.1).
Genomic context (GRCh38, chr11:47,342,644, plus strand): 5'-CAATGAGCTCAGCCAGCGCCTGGCCCCCGCTAGTGCACAGTGCATAGTGCCCCGCGTCCT[C>A]CAGCATGGCCTCGTTGATGATCAGGTGGTGTCTCTGCCCGTCCTTCTTGAACCGGTATTT-3'

ClinVar aggregate classification (germline): Pathogenic (1 of 4 stars; one submission).

Conditions:
Hypertrophic cardiomyopathy 4. Also called: Familial hypertrophic cardiomyopathy 4. Identifiers: MedGen C1861862, MONDO:0007268, OMIM 115197.

Submission:

Molecular Genetics Laboratory, Motol Hospital
Classification: Pathogenic for Hypertrophic cardiomyopathy 4. Last evaluated: 2026-06-04. Review status: criteria provided, single submitter. Criteria: ACMG Guidelines, 2015. Collection method: clinical testing. Allele origin: germline. Affected: yes. Observed: 3 variant alleles.
Comment: Detected in three unrelated individuals with hypertrophic cardiomyopathy (PS4). A rare variant not present in non-Finnish European population (PM2). Rare truncating variants in the MYBPC3 gene are associated with autosomal dominant familial hypertrophic cardiomyopathy (PVS1). The variant is classified as pathogenic.

Literature cited by the submitters: PubMed 30586709; PubMed 11499719.